The following is an entry in ClinVar:

ClinVar aggregate classification (germline): Conflicting classifications of pathogenicity. Review status: criteria provided, conflicting classifications (1 of 4 stars). 2 submissions from 2 submitters: Uncertain significance (1); Likely benign (1). Last evaluated 2026-05-01.

Submissions (2):

CeGaT Center for Human Genetics Tuebingen
Classification: Likely benign. Last evaluated: 2026-05-01. Review status: criteria provided, single submitter. Criteria: CeGaT Center For Human Genetics Tuebingen Variant Classification Criteria Version 2. Collection method: clinical testing. Allele origin: germline. Affected: yes. Observed: 1 variant allele.
Comment: MTSS2: BP4

Ambry Genetics
Classification: Uncertain significance. Last evaluated: 2025-07-08. Review status: criteria provided, single submitter. Criteria: Ambry Variant Classification Scheme 2023. Collection method: clinical testing. Allele origin: germline.

NM_138383.3(MTSS2):c.2152C>T (p.Pro718Ser)

Gene: MTSS2 (MTSS I-BAR domain containing 2; minus strand). Cytogenetic location: 16q22.1.
Variant type: single nucleotide variant.
Coding change: c.2152C>T on transcript NM_138383.3 (MANE Select); coding-DNA position 2152, C replaced by T.
Protein change: p.Pro718Ser; replaces proline 718 with serine.
Molecular consequence: missense variant.
Genome position (GRCh38, 1-based): chr16:70,663,769, G>A on the plus strand (C>T on the coding strand, the complement: MTSS2 is on the minus strand). VCF-style: chr16-70663769-G-A. GRCh37 (hg19) VCF-style: chr16-70697672-G-A.
Other names: short protein forms P718S.
Identifiers: ClinVar variation 4112122 (VCV004112122.3).